The following is an entry in ClinVar:

ClinVar aggregate classification (germline): Likely pathogenic. Review status: reviewed by expert panel (3 of 4 stars). 4 submissions from 4 submitters: Likely pathogenic (1). 3 of the submissions do not count toward it. Last evaluated 2024-08-22.

Conditions:
Marfan syndrome (MFS). Also called: Marfan syndrome type 1; Marfan's syndrome; Marfan syndrome, classic; MARFAN SYNDROME, TYPE I; FBN1-Related Marfan Syndrome. Identifiers: Orphanet 284963, Orphanet 558, MedGen C0024796, MONDO:0007947, OMIM 154700.
Familial thoracic aortic aneurysm and aortic dissection (TAAD). Also called: Thoracic aortic aneurysms and dissections. Identifiers: Orphanet 91387, MedGen C4707243, MONDO:0019625.
Abnormality of connective tissue. Identifiers: MedGen C4025596, HP:0003549.

Submissions (4):

ClinGen FBN1 Variant Curation Expert Panel, ClinGen
Classification: Likely pathogenic for Marfan syndrome. Last evaluated: 2024-08-22. Review status: reviewed by expert panel. Criteria: Assertion Criteria VCEP FBN1 Version 1. Collection method: curation. Allele origin: germline. Inheritance: Autosomal dominant inheritance.
Comment: NM_000138.5 c.7409G>T is a missense variant in FBN1 predicted to cause a substitution of a cysteine by phenylalanine at amino acid 2470 (p.Cys2470Phe). This variant was found in a proband with thoracic aortic aneurysm (TAA) and a systemic score ≥7 which is a specific phenotype that satisfies the revised Ghent criteria for a clinical diagnosis of Marfan syndrome (MFS) (PP4; PMID: 38374194). This variant has been reported 3 times in ClinVar as pathogenic (1) likely pathogenic (1), and of uncertain significance (1) (Variation ID: 1098776 ). It has been identified in a proband who does not meet diagnostic criteria for MFS but has TAA and several systemic features of MFS (Invitae internal data). This variant is not present in gnomAD (PM2_supporting). This variant affects a cysteine residue in a calcium-binding EGF-like domain; cysteine residues are involved in the formation of disulfide bridges which are essential for the protein structure (PM1_strong). Computational prediction tools and conservation analysis suggest that this variant may impact the protein (PP3; REVEL = 0.989). The constraint z-score for missense variants affecting FBN1 is 8.2 (PP2; gnomAD v4.1.0). In summary, this variant meets criteria to be classified as likely pathogenic for Marfan syndrome based on the ACMG/AMP criteria applied, as specified by the ClinGen FBN1 VCEP: PM1_strong, PP2, PP3, PP4, PM2_supporting.

Labcorp Genetics (formerly Invitae), Labcorp
Classification: Pathogenic for Marfan syndrome; Familial thoracic aortic aneurysm and aortic dissection. Last evaluated: 2021-11-05. Review status: criteria provided, single submitter. Criteria: Invitae Variant Classification Sherloc (09022015). Collection method: clinical testing. Allele origin: germline. Not counted in ClinVar's aggregate classification.
Comment: For these reasons, this variant has been classified as Pathogenic. This variant disrupts the p.Cys2470 amino acid residue in FBN1. Other variant(s) that disrupt this residue have been observed in individuals with FBN1-related conditions (PMID: 17657824, 23653584; Invitae), which suggests that this may be a clinically significant amino acid residue. This variant affects a cysteine residue in the EGF-like, TGFBP or hybrid motif domains of FBN1. Cysteine residues are believed to be involved in intramolecular disulfide bridges and have been shown to be important for FBN1 protein structure (PMID: 16905551, 19349279). In addition, missense substitutions affecting cysteine residues within these domains are significantly overrepresented among patients with Marfan syndrome (PMID: 16571647, 17701892). Advanced modeling of protein sequence and biophysical properties (such as structural, functional, and spatial information, amino acid conservation, physicochemical variation, residue mobility, and thermodynamic stability) performed at Invitae indicates that this missense variant is expected to disrupt FBN1 protein function. ClinVar contains an entry for this variant (Variation ID: 1098776). This variant has not been reported in the literature in individuals affected with FBN1-related conditions. This variant is not present in population databases (gnomAD no frequency). This sequence change replaces cysteine, which is neutral and slightly polar, with phenylalanine, which is neutral and non-polar, at codon 2470 of the FBN1 protein (p.Cys2470Phe).

Kariminejad - Najmabadi Pathology & Genetics Center
Classification: Likely pathogenic for Abnormality of connective tissue. Last evaluated: 2021-07-10. Review status: criteria provided, single submitter. Criteria: ACMG Guidelines, 2015. Collection method: clinical testing. Allele origin: germline. Affected: yes. Not counted in ClinVar's aggregate classification.

Women's Health and Genetics/Laboratory Corporation of America, LabCorp
Classification: Uncertain significance. Last evaluated: 2021-05-17. Review status: criteria provided, single submitter. Criteria: LabCorp Variant Classification Summary - May 2015. Collection method: clinical testing. Allele origin: germline. Not counted in ClinVar's aggregate classification.
Comment: Variant summary: FBN1 c.7409G>T (p.Cys2470Phe) results in a non-conservative amino acid change located in the EGF-like calcium-binding domain (IPR001881) of the encoded protein sequence. Five of five in-silico tools predict a damaging effect of the variant on protein function. The variant was absent in 251366 control chromosomes (gnomAD). The available data on variant occurrences in the general population are insufficient to allow any conclusion about variant significance. To our knowledge, no occurrence of c.7409G>T in individuals affected with Marfan Syndrome and no experimental evidence demonstrating its impact on protein function have been reported. No clinical diagnostic laboratories have submitted clinical-significance assessments for this variant to ClinVar after 2014. Missense mutations affecting or creating cysteine residues are listed among the criteria for a causal FBN1 mutation when identified as de novo (with proven paternity) in the revised Ghent criteria for the diagnosis of Marfan and related conditions (Loeys 2010). Based on the evidence outlined above, until the de novo origin of this variant is unequivocally confirmed, the variant is classified as VUS-possibly pathogenic.

Literature cited by the submitters: PubMed 17657824 (cited by Labcorp Genetics (formerly Invitae), Labcorp); PubMed 23653584 (cited by Labcorp Genetics (formerly Invitae), Labcorp); PubMed 16905551 (cited by Labcorp Genetics (formerly Invitae), Labcorp); PubMed 19349279 (cited by Labcorp Genetics (formerly Invitae), Labcorp); PubMed 16571647 (cited by Labcorp Genetics (formerly Invitae), Labcorp); PubMed 17701892 (cited by Labcorp Genetics (formerly Invitae), Labcorp).

NM_000138.5(FBN1):c.7409G>T (p.Cys2470Phe)

Gene: FBN1 (fibrillin 1; minus strand). Cytogenetic location: 15q21.1.
Variant type: single nucleotide variant.
Coding change: c.7409G>T on transcript NM_000138.5 (MANE Select); coding-DNA position 7409, G replaced by T.
Protein change: p.Cys2470Phe; replaces cysteine 2470 with phenylalanine.
Molecular consequence: missense variant.
Genome position (GRCh38, 1-based): chr15:48,425,413, C>A on the plus strand (G>T on the coding strand, the complement: FBN1 is on the minus strand). VCF-style: chr15-48425413-C-A. GRCh37 (hg19) VCF-style: chr15-48717610-C-A.
Other names: NM_000138.5(FBN1):c.7409G>T; p.Cys2470Phe; short protein forms C2470F.
Identifiers: ClinVar variation 1098776 (VCV001098776.29), dbSNP rs1555394398, ClinGen allele CA392327764.